The following is an entry in ClinVar:

ClinVar aggregate classification (germline): Likely benign (1 of 4 stars; one submission).

gnomAD v4.1: 5,020 of 1,608,862 alleles (0.31%); highest among the groups gnomAD compares: Non-Finnish European, 0.36%; 9 homozygotes.

Submission:

CeGaT Center for Human Genetics Tuebingen
Classification: Likely benign. Last evaluated: 2026-05-01. Review status: criteria provided, single submitter. Criteria: CeGaT Center For Human Genetics Tuebingen Variant Classification Criteria Version 2. Collection method: clinical testing. Allele origin: germline. Affected: yes. Observed: 1 variant allele.
Comment: PSMD6: BP4, BP7

NM_014814.3(PSMD6):c.1020C>T (p.Ala340=)

Genes: PSMD6 (proteasome 26S subunit, non-ATPase 6; minus strand), PSMD6-AS2 (PSMD6 antisense RNA 2; plus strand). Cytogenetic location: 3p14.1.
Variant type: single nucleotide variant.
Coding change: c.1020C>T on transcript NM_014814.3 (MANE Select); coding-DNA position 1020, C replaced by T.
Protein change: p.Ala340=; no amino-acid change (alanine 340 retained).
Molecular consequence: synonymous variant.
Genome position (GRCh38, 1-based): chr3:64,010,931, G>A on the plus strand (C>T on the coding strand, the complement: PSMD6 is on the minus strand). VCF-style: chr3-64010931-G-A. GRCh37 (hg19) VCF-style: chr3-63996607-G-A.
Other names: c.1179C>T, p.Ala393= (NM_001271779.2); c.906C>T, p.Ala302= (NM_001271780.2); c.903C>T, p.Ala301= (NM_001271781.2).
Identifiers: ClinVar variation 4872034 (VCV004872034.2).